The following is an entry in ClinVar:

NM_001009944.3(PKD1):c.1944dup (p.Gly649fs)

Gene: PKD1 (polycystin 1, transient receptor potential channel interacting; minus strand). Cytogenetic location: 16p13.3.
Variant type: Duplication.
Coding change: c.1944dup on transcript NM_001009944.3 (MANE Select); coding-DNA position 1944, one base duplicated (T; older notation c.1944dupT).
Protein change: p.Gly649fs; shifts the reading frame from glycine 649.
Molecular consequence: frameshift variant.
Genome position (GRCh38, 1-based): chr16:2,115,531, A duplicated on the plus strand (T on the coding strand, the reverse complement: PKD1 is on the minus strand). VCF-style (leftmost placement, unchanged base first): chr16-2115530-C-CA. GRCh37 (hg19) VCF-style: chr16-2165531-C-CA.
Other names: c.1944dupT (NM_001009944.3); c.1944dup, p.Gly649fs (NM_000296.4); short protein forms G649fs.
Identifiers: ClinVar variation 2612472 (VCV002612472.3), dbSNP rs2544861242, ClinGen allele CA2582342640.
Genomic context (GRCh38, chr16:2,115,530, plus strand): 5'-AGCCATTGGCGCAGGCCTGGGGGTGGCAGGAGGCGTCCAGCGGCAAGCAGATGTTGGCTC[C>CA]AGGGCACCAGCGTCCCCCTGGCATGCACGCGGGGGCCAGCTGGGTCCTGTTGTCCGGGGA-3'

ClinVar aggregate classification (germline): Pathogenic. Review status: criteria provided, multiple submitters, no conflicts (2 of 4 stars). 2 submissions from 2 submitters: Pathogenic (2). Last evaluated 2026-05-11.

Conditions:
Polycystic kidney disease, adult type (PKD1). Also called: POLYCYSTIC KIDNEY DISEASE 1 WITH OR WITHOUT POLYCYSTIC LIVER DISEASE; Polycystic Kidney, Autosomal Dominant; POLYCYSTIC KIDNEY DISEASE, ADULT, TYPE I; Polycystic Kidney Disease 1, Autosomal Dominant; Polycystic kidney disease 1; Polycystic kidney disease 1, severe. Identifiers: MedGen C3149841, MONDO:0008263, OMIM 173900.
Inborn genetic diseases. Identifiers: MedGen C0950123, MeSH D030342.

Submissions (2):

Women's Health and Genetics/Laboratory Corporation of America, LabCorp
Classification: Pathogenic for Polycystic kidney disease, adult type. Last evaluated: 2026-05-11. Review status: criteria provided, single submitter. Criteria: LabCorp Variant Classification Summary - May 2015. Collection method: clinical testing. Allele origin: germline.
Comment: Variant summary: PKD1 c.1944dupT (p.Gly649TrpfsX65) results in a premature termination codon, predicted to cause a truncation of the encoded protein or absence of the protein due to nonsense mediated decay, which are commonly known mechanisms for disease. The variant was absent in 170210 control chromosomes. To our knowledge, no occurrence of c.1944dupT in individuals affected with PKD1-related conditions and no experimental evidence demonstrating its impact on protein function have been reported. ClinVar contains an entry for this variant (Variation ID: 2612472). Based on the evidence outlined above, the variant was classified as pathogenic.

Ambry Genetics
Classification: Pathogenic for Inborn genetic diseases. Last evaluated: 2023-07-24. Review status: criteria provided, single submitter. Criteria: Ambry Variant Classification Scheme 2023. Collection method: clinical testing. Allele origin: germline.
Comment: The c.1944dupT (p.G649Wfs*65) alteration, located in exon 10 (coding exon 10) of the PKD1 gene, consists of a duplication of T at position 1944, causing a translational frameshift with a predicted alternate stop codon after 65 amino acids. This alteration is expected to result in loss of function by premature protein truncation or nonsense-mediated mRNA decay. This variant was not reported in population-based cohorts in the Genome Aggregation Database (gnomAD). Based on the available evidence, this alteration is classified as pathogenic.